The following is an entry in ClinVar:

NM_198904.4(GABRG2):c.569G>A (p.Cys190Tyr)

Gene: GABRG2 (gamma-aminobutyric acid type A receptor subunit gamma2; plus strand). Cytogenetic location: 5q34.
Variant type: single nucleotide variant.
Coding change: c.569G>A on transcript NM_198904.4 (MANE Select); coding-DNA position 569, G replaced by A.
Protein change: p.Cys190Tyr; replaces cysteine 190 with tyrosine.
Molecular consequence: missense variant.
Genome position (GRCh38, 1-based): chr5:162,101,255, G>A. VCF-style: chr5-162101255-G-A. GRCh37 (hg19) VCF-style: chr5-161528261-G-A.
Other names: c.569G>A, p.Cys190Tyr (NM_000816.3, NM_001375340.1, NM_001375341.1 and 4 more transcripts); c.560G>A, p.Cys187Tyr (NM_001375339.1); c.503G>A, p.Cys168Tyr (NM_001375345.1, NM_001375346.1); c.482G>A, p.Cys161Tyr (NM_001375347.1); c.149G>A, p.Cys50Tyr (NM_001375348.1, NM_001375350.1); c.284G>A, p.Cys95Tyr (NM_001375349.1); short protein forms C161Y, C168Y, C187Y, C190Y, C50Y, C95Y.
Identifiers: ClinVar variation 3899094 (VCV003899094.2).

ClinVar aggregate classification (germline): Likely pathogenic (1 of 4 stars; one submission).

Submission:

GeneDx
Classification: Likely pathogenic. Last evaluated: 2025-07-10. Review status: criteria provided, single submitter. Criteria: GeneDx Variant Classification Process June 2021. Collection method: clinical testing. Allele origin: germline.
Comment: Not observed at significant frequency in large population cohorts (gnomAD); In silico analysis supports that this missense variant has a deleterious effect on protein structure/function; Has not been previously published as pathogenic or benign to our knowledge